The following is an entry in ClinVar:

ClinVar aggregate classification (germline): Uncertain significance (1 of 4 stars; one submission).

Submission:

Labcorp Genetics (formerly Invitae), Labcorp
Classification: Uncertain significance. Last evaluated: 2022-03-27. Review status: criteria provided, single submitter. Criteria: Invitae Variant Classification Sherloc (09022015). Collection method: clinical testing. Allele origin: germline.
Comment: This sequence change replaces methionine, which is neutral and non-polar, with isoleucine, which is neutral and non-polar, at codon 1027 of the POLR3A protein (p.Met1027Ile). In summary, the available evidence is currently insufficient to determine the role of this variant in disease. Therefore, it has been classified as a Variant of Uncertain Significance. Algorithms developed to predict the effect of missense changes on protein structure and function (SIFT, PolyPhen-2, Align-GVGD) all suggest that this variant is likely to be tolerated. This variant has not been reported in the literature in individuals affected with POLR3A-related conditions. This variant is not present in population databases (gnomAD no frequency).

NM_007055.4(POLR3A):c.3081G>A (p.Met1027Ile)

Gene: POLR3A (RNA polymerase III subunit A; minus strand). Cytogenetic location: 10q22.3.
Variant type: single nucleotide variant.
Coding change: c.3081G>A on transcript NM_007055.4 (MANE Select); coding-DNA position 3081, G replaced by A.
Protein change: p.Met1027Ile; replaces methionine 1027 with isoleucine.
Molecular consequence: missense variant.
Genome position (GRCh38, 1-based): chr10:77,985,331, C>T on the plus strand (G>A on the coding strand, the complement: POLR3A is on the minus strand). VCF-style: chr10-77985331-C-T. GRCh37 (hg19) VCF-style: chr10-79745089-C-T.
Other names: short protein forms M1027I.
Identifiers: ClinVar variation 2118471 (VCV002118471.4), dbSNP rs2493189664, ClinGen allele CA377331466.
Genomic context (GRCh38, chr10:77,985,331, plus strand): 5'-CTGGGTGCCTGGCTCACCAATGCTCTGGGCACACAGAGCACCCACTGCAGAACCTGGCTC[C>T]ATCTGTGCCCTAGAAGGCAAAGGTATGGATGAGATTGCAGCATGCCAAAGAAAAGTCCAG-3'
Protein context (NP_008986.2, residues 1017-1037): TCRDKYMRAQ[Met1027Ile]EPGSAVGALC